The following is an entry in ClinVar:

ClinVar aggregate classification (germline): Uncertain significance (1 of 4 stars; one submission).

Allele frequency attached by ClinVar (database versions not stated): gnomAD 0.00001; ExAC 0.00002; gnomAD exomes 0.00002.
gnomAD v4.1: 13 of 1,614,098 alleles (0.00081%); highest among the groups gnomAD compares: Non-Finnish European, 0.00093%; no homozygotes.

Submission:

Labcorp Genetics (formerly Invitae), Labcorp
Classification: Uncertain significance. Last evaluated: 2026-01-05. Review status: criteria provided, single submitter. Criteria: Invitae Variant Classification Sherloc (09022015). Collection method: clinical testing. Allele origin: germline.
Comment: This sequence change replaces isoleucine, which is neutral and non-polar, with phenylalanine, which is neutral and non-polar, at codon 67 of the OCLN protein (p.Ile67Phe). This variant is present in population databases (rs766112658, gnomAD 0.004%). This missense change has been observed in individual(s) with band-like calcification with simplified gyration and polymicrogyria (BLC-PMG) (PMID: 34704946). ClinVar contains an entry for this variant (Variation ID: 1503897). An algorithm developed to predict the effect of missense changes on protein structure and function (PolyPhen-2) suggests that this variant is likely to be disruptive. In summary, the available evidence is currently insufficient to determine the role of this variant in disease. Therefore, it has been classified as a Variant of Uncertain Significance.

Literature cited by the submitters: PubMed 34704946.

NM_001205254.2(OCLN):c.199A>T (p.Ile67Phe)

Gene: OCLN (occludin; plus strand). Cytogenetic location: 5q13.2.
Variant type: single nucleotide variant.
Coding change: c.199A>T on transcript NM_001205254.2 (MANE Select); coding-DNA position 199, A replaced by T.
Protein change: p.Ile67Phe; replaces isoleucine 67 with phenylalanine.
Molecular consequence: missense variant. On other transcripts: intron variant (1).
Genome position (GRCh38, 1-based): chr5:69,509,289, A>T. VCF-style: chr5-69509289-A-T. GRCh37 (hg19) VCF-style: chr5-68805116-A-T.
Other names: c.199A>T, p.Ile67Phe (NM_001410743.1, NM_001438048.1, NM_001438604.1 and 1 more transcripts); c.-24-4659A>T (NM_001205255.2); short protein forms I67F.
Identifiers: ClinVar variation 1503897 (VCV001503897.8), dbSNP rs766112658, ClinGen allele CA3294397.